The following is an entry in ClinVar:

NM_001376571.1(MADD):c.382T>C (p.Ser128Pro)

Gene: MADD (MAP kinase activating death domain; plus strand). Cytogenetic location: 11p11.2.
Variant type: single nucleotide variant.
Coding change: c.382T>C on transcript NM_001376571.1 (MANE Select); coding-DNA position 382, T replaced by C.
Protein change: p.Ser128Pro; replaces serine 128 with proline.
Molecular consequence: missense variant. On other transcripts: non-coding transcript variant (8), intron variant (1).
Genome position (GRCh38, 1-based): chr11:47,274,882, T>C. VCF-style: chr11-47274882-T-C. GRCh37 (hg19) VCF-style: chr11-47296433-T-C.
Other names: c.382T>C, p.Ser128Pro (NM_001376622.1, NM_001376623.1, NM_001376624.1 and 80 more transcripts); c.178T>C, p.Ser60Pro (NM_001376626.1, NM_001376627.1, NM_001376644.1 and 9 more transcripts); c.-7-1017T>C (NM_001376663.1); short protein forms S128P, S60P.
Identifiers: ClinVar variation 2630010 (VCV002630010.1), dbSNP rs763479544, ClinGen allele CA221683824.

ClinVar aggregate classification (germline): Uncertain significance (1 of 4 stars; one submission).

Conditions:
MADD-related disorder. Also called: MADD-related condition; MADD-Related Disorders.

Allele frequency attached by ClinVar (database versions not stated): TOPMed 0.00001; gnomAD exomes 0.00004.
gnomAD v4.1: 51 of 1,614,032 alleles (0.0032%); highest among the groups gnomAD compares: Non-Finnish European, 0.0042%; no homozygotes.

Submission:

PreventionGenetics, part of Exact Sciences
Classification: Uncertain significance for MADD-related condition. Last evaluated: 2023-07-12. Review status: criteria provided, single submitter. Criteria: ACMG Guidelines, 2015. Collection method: clinical testing. Allele origin: germline.
Comment: The MADD c.382T>C variant is predicted to result in the amino acid substitution p.Ser128Pro. To our knowledge, this variant has not been reported in the literature. This variant is reported in 0.0018% of alleles in individuals of European (Non-Finnish) descent in gnomAD. At this time, the clinical significance of this variant is uncertain due to the absence of conclusive functional and genetic evidence.